The following is an entry in ClinVar:

ClinVar aggregate classification (germline): Uncertain significance (1 of 4 stars; one submission).

Conditions:
ALG8 congenital disorder of glycosylation. Also called: CONGENITAL DISORDER OF GLYCOSYLATION, TYPE Ih; CDG Ih; ALG8-CDG. Identifiers: Orphanet 79325, MedGen C2931002, MONDO:0011969, OMIM 608104.

Allele frequency attached by ClinVar (database versions not stated): gnomAD exomes below 0.00001.
gnomAD v4.1: 1 of 1,614,116 alleles (0.000062%); highest among the groups gnomAD compares: African/African-American, 0.0013%; no homozygotes.

Submission:

Labcorp Genetics (formerly Invitae), Labcorp
Classification: Uncertain significance for ALG8 congenital disorder of glycosylation. Last evaluated: 2025-06-12. Review status: criteria provided, single submitter. Criteria: Invitae Variant Classification Sherloc (09022015). Collection method: clinical testing. Allele origin: germline.
Comment: This sequence change replaces leucine, which is neutral and non-polar, with arginine, which is basic and polar, at codon 203 of the ALG8 protein (p.Leu203Arg). This variant is not present in population databases (gnomAD no frequency). This variant has not been reported in the literature in individuals affected with ALG8-related conditions. ClinVar contains an entry for this variant (Variation ID: 2132145). Invitae Evidence Modeling of protein sequence and biophysical properties (such as structural, functional, and spatial information, amino acid conservation, physicochemical variation, residue mobility, and thermodynamic stability) indicates that this missense variant is expected to disrupt ALG8 protein function with a positive predictive value of 80%. In summary, the available evidence is currently insufficient to determine the role of this variant in disease. Therefore, it has been classified as a Variant of Uncertain Significance.

NM_024079.5(ALG8):c.608T>G (p.Leu203Arg)

Gene: ALG8 (ALG8 alpha-1,3-glucosyltransferase; minus strand). Cytogenetic location: 11q14.1.
Variant type: single nucleotide variant.
Coding change: c.608T>G on transcript NM_024079.5 (MANE Select); coding-DNA position 608, T replaced by G.
Protein change: p.Leu203Arg; replaces leucine 203 with arginine.
Molecular consequence: missense variant.
Genome position (GRCh38, 1-based): chr11:78,114,331, A>C on the plus strand (T>G on the coding strand, the complement: ALG8 is on the minus strand). VCF-style: chr11-78114331-A-C. GRCh37 (hg19) VCF-style: chr11-77825377-A-C.
Other names: c.608T>G, p.Leu203Arg (NM_001007027.3); short protein forms L203R.
Identifiers: ClinVar variation 2132145 (VCV002132145.4), dbSNP rs1565350709, ClinGen allele CA382117171.